The following is an entry in ClinVar:

ClinVar aggregate classification (germline): Uncertain significance (1 of 4 stars; one submission).

Conditions:
MEGF8-related Carpenter syndrome. Also called: Carpenter syndrome 2. Identifiers: Orphanet 65759, MedGen C3554247, MONDO:0013998, OMIM 614976.

gnomAD v4.1: 6 of 1,613,166 alleles (0.00037%); highest among the groups gnomAD compares: East Asian, 0.0022%; no homozygotes.

Submission:

Neuberg Centre For Genomic Medicine, NCGM
Classification: Uncertain significance for MEGF8-related Carpenter syndrome. Review status: criteria provided, single submitter. Criteria: ACMG Guidelines, 2015. Collection method: clinical testing. Allele origin: germline. Inheritance: Autosomal recessive inheritance. Affected: yes.
Comment: The observed missense c.8140G>A(p.Ala2714Thr) variant in MEGF8 gene has not been reported previously as a pathogenic variant nor a benign variant, to our knowledge. The p.Ala2714Thr variant is present with 0.0004% in gnomAD Exomes. This variant has not been submitted to the ClinVar database. Multiple lines of computational evidences (Polyphen - Benign, SIFT - Tolerated and MutationTaster - Polymorphism) predict no damaging effect on protein structure and function for this variant. The reference amino acid change at this position on MEGF8 gene is predicted as conserved by GERP++. The amino acid Ala at position 2714 is changed to a Thr changing protein sequence and it might alter its composition and physico-chemical properties. For these reasons, this variant has been classified as a Variant of Uncertain Significance (VUS).

NM_001271938.2(MEGF8):c.8140G>A (p.Ala2714Thr)

Gene: MEGF8 (multiple EGF like domains 8; plus strand). Cytogenetic location: 19q13.2.
Variant type: single nucleotide variant.
Coding change: c.8140G>A on transcript NM_001271938.2 (MANE Select); coding-DNA position 8140, G replaced by A.
Protein change: p.Ala2714Thr; replaces alanine 2714 with threonine.
Molecular consequence: missense variant.
Genome position (GRCh38, 1-based): chr19:42,376,377, G>A. VCF-style: chr19-42376377-G-A. GRCh37 (hg19) VCF-style: chr19-42880529-G-A.
Other names: c.7939G>A, p.Ala2647Thr (NM_001410.3); short protein forms A2647T, A2714T.
Identifiers: ClinVar variation 3377711 (VCV003377711.1).